The following is an entry in ClinVar:

NM_001042492.3(NF1):c.7310C>T (p.Ala2437Val)

Gene: NF1 (neurofibromin 1; plus strand). Cytogenetic location: 17q11.2.
Variant type: single nucleotide variant.
Coding change: c.7310C>T on transcript NM_001042492.3 (MANE Select); coding-DNA position 7310, C replaced by T.
Protein change: p.Ala2437Val; replaces alanine 2437 with valine.
Molecular consequence: missense variant.
Genome position (GRCh38, 1-based): chr17:31,349,240, C>T. VCF-style: chr17-31349240-C-T. GRCh37 (hg19) VCF-style: chr17-29676258-C-T.
Other names: c.7247C>T, p.Ala2416Val (NM_000267.4); short protein forms A2416V, A2437V.
Identifiers: ClinVar variation 2764123 (VCV002764123.3), dbSNP rs2070078591, ClinGen allele CA399016908.

ClinVar aggregate classification (germline): Uncertain significance (1 of 4 stars; one submission).

Conditions:
Neurofibromatosis, type 1 (NF1). Also called: VON RECKLINGHAUSEN DISEASE; Neurofibromatosis, type I; NEUROFIBROMATOSIS, TYPE I, SOMATIC; Peripheral type neurofibromatosis. Identifiers: Orphanet 636, MedGen C0027831, MONDO:0018975, OMIM 162200. Disease mechanism: loss of function.

gnomAD v4.1: 1 of 1,612,882 alleles (0.000062%); no homozygotes.

Submission:

Labcorp Genetics (formerly Invitae), Labcorp
Classification: Uncertain significance for Neurofibromatosis, type 1. Last evaluated: 2023-09-29. Review status: criteria provided, single submitter. Criteria: Invitae Variant Classification Sherloc (09022015). Collection method: clinical testing. Allele origin: germline.
Comment: This variant is not present in population databases (gnomAD no frequency). This sequence change replaces alanine, which is neutral and non-polar, with valine, which is neutral and non-polar, at codon 2416 of the NF1 protein (p.Ala2416Val). This variant has not been reported in the literature in individuals affected with NF1-related conditions. In summary, the available evidence is currently insufficient to determine the role of this variant in disease. Therefore, it has been classified as a Variant of Uncertain Significance. Advanced modeling of protein sequence and biophysical properties (such as structural, functional, and spatial information, amino acid conservation, physicochemical variation, residue mobility, and thermodynamic stability) has been performed at Invitae for this missense variant, however the output from this modeling did not meet the statistical confidence thresholds required to predict the impact of this variant on NF1 protein function.